The following is an entry in ClinVar:

ClinVar aggregate classification (germline): Conflicting classifications of pathogenicity. Review status: criteria provided, conflicting classifications (1 of 4 stars). 2 submissions from 2 submitters: Uncertain significance (1); Likely benign (1). Last evaluated 2025-06-12.

Conditions:
Emery-Dreifuss muscular dystrophy (EDMD). Also called: Scapuloperoneal syndrome, X-linked (formerly); Humeroperoneal neuromuscular disease, (formerly). Identifiers: Orphanet 261, MedGen C0410189, MONDO:0016830.

Submissions (2):

Labcorp Genetics (formerly Invitae), Labcorp
Classification: Uncertain significance for Emery-Dreifuss muscular dystrophy. Last evaluated: 2025-06-12. Review status: criteria provided, single submitter. Criteria: Invitae Variant Classification Sherloc (09022015). Collection method: clinical testing. Allele origin: germline.
Comment: This sequence change replaces alanine, which is neutral and non-polar, with threonine, which is neutral and polar, at codon 324 of the SUN1 protein (p.Ala324Thr). This variant is present in population databases (no rsID available, gnomAD 0.007%). This variant has not been reported in the literature in individuals affected with SUN1-related conditions. ClinVar contains an entry for this variant (Variation ID: 3704063). An algorithm developed to predict the effect of missense changes on protein structure and function outputs the following: PolyPhen-2: "Benign". The threonine amino acid residue is found in multiple mammalian species, which suggests that this missense change does not adversely affect protein function. In summary, the available evidence is currently insufficient to determine the role of this variant in disease. Therefore, it has been classified as a Variant of Uncertain Significance.

Ambry Genetics
Classification: Likely benign. Last evaluated: 2025-05-28. Review status: criteria provided, single submitter. Criteria: Ambry Variant Classification Scheme 2023. Collection method: clinical testing. Allele origin: germline.

NM_001130965.3(SUN1):c.970G>A (p.Ala324Thr)

Gene: SUN1 (Sad1 and UNC84 domain containing 1; plus strand). Cytogenetic location: 7p22.3.
Variant type: single nucleotide variant.
Coding change: c.970G>A on transcript NM_001130965.3 (MANE Select); coding-DNA position 970, G replaced by A.
Protein change: p.Ala324Thr; replaces alanine 324 with threonine.
Molecular consequence: missense variant. On other transcripts: non-coding transcript variant (3), intron variant (1).
Genome position (GRCh38, 1-based): chr7:852,869, G>A. VCF-style: chr7-852869-G-A. GRCh37 (hg19) VCF-style: chr7-892506-G-A.
Other names: c.661G>A, p.Ala221Thr (NM_001171944.2); c.970G>A, p.Ala324Thr (NM_001367633.1, NM_001367634.1, NM_001367672.1 and 1 more transcripts); c.619G>A, p.Ala207Thr (NM_001367635.1); c.1210G>A, p.Ala404Thr (NM_001367636.1, NM_001367691.1); c.1078G>A, p.Ala360Thr (NM_001367638.1); c.511G>A, p.Ala171Thr (NM_001367639.1); c.1150G>A, p.Ala384Thr (NM_001367640.1); c.1252G>A, p.Ala418Thr (NM_001367641.1, NM_001367682.1); and 39 more; short protein forms A135T, A274T, A302T, A310T, A324T, A338T, A351T, A388T.
Identifiers: ClinVar variation 3704063 (VCV003704063.3).
Genomic context (GRCh38, chr7:852,869, plus strand): 5'-GCAGGTCTCTCCTTACGGGGCCAGGGCAATTTCTTTTCGTTCTTGCCCGTGTTGAACTGG[G>A]CAAGCATGCATAGAACACAGCGGGTGGATGACCCCCAGGACGTGTTTAAACCCACGACTT-3'
Protein context (NP_001124437.1, residues 314-334): FFSFLPVLNW[Ala324Thr]SMHRTQRVDD